The following is an entry in ClinVar:

ClinVar aggregate classification (germline): Uncertain significance (1 of 4 stars; one submission).

Conditions:
Familial adenomatous polyposis 1 (FAP1). Also called: FAMILIAL ADENOMATOUS POLYPOSIS 1, ATTENUATED; POLYPOSIS, ADENOMATOUS INTESTINAL. Identifiers: MedGen C2713442, MONDO:0021056, OMIM 175100. Disease mechanism: loss of function.

Submission:

Labcorp Genetics (formerly Invitae), Labcorp
Classification: Uncertain significance for Familial adenomatous polyposis 1. Last evaluated: 2022-03-02. Review status: criteria provided, single submitter. Criteria: Invitae Variant Classification Sherloc (09022015). Collection method: clinical testing. Allele origin: germline.
Comment: In summary, the available evidence is currently insufficient to determine the role of this variant in disease. Therefore, it has been classified as a Variant of Uncertain Significance. Experimental studies and prediction algorithms are not available or were not evaluated, and the functional significance of this variant is currently unknown. This variant has not been reported in the literature in individuals affected with APC-related conditions. This variant is not present in population databases (gnomAD no frequency). This variant occurs in a non-coding region of the APC gene. It does not change the encoded amino acid sequence of the APC protein.

NC_000005.10:g.112707360G>A

Gene: APC (APC regulator of Wnt signaling pathway; plus strand). Cytogenetic location: 5q22.2.
Variant type: single nucleotide variant.
Genome position: GRCh38 VCF-style: chr5-112707360-G-A. GRCh37 (hg19) VCF-style: chr5-112043057-G-A.
Identifiers: ClinVar variation 2105700 (VCV002105700.5), dbSNP rs2149628157, ClinGen allele CA2580072223.
Genomic context (GRCh38, chr5:112,707,360, plus strand): 5'-CTATTAACTGGGCTGCAGCACAATTCAGAGAAGGCCAGTAAGTGCTGCAACTGAGACTCG[G>A]CTGCCTAGGCAGCAATGGCTCACGGGACAGAACAGCGAAGCAGTGCCCGGCAAGCGGAGC-3'